The following is an entry in ClinVar:

ClinVar aggregate classification (germline): Likely benign (1 of 4 stars; one submission).

gnomAD v4.1: 3 of 1,613,026 alleles (0.00019%); highest among the groups gnomAD compares: Non-Finnish European, 0.00025%; no homozygotes.

Submission:

GeneDx
Classification: Likely benign. Last evaluated: 2016-10-24. Review status: criteria provided, single submitter. Criteria: GeneDx Variant Classification (06012015). Collection method: clinical testing. Allele origin: germline. Affected: yes.
Comment: This variant is considered likely benign or benign based on one or more of the following criteria: it is a conservative change, it occurs at a poorly conserved position in the protein, it is predicted to be benign by multiple in silico algorithms, and/or has population frequency not consistent with disease.

NM_002230.4(JUP):c.1824G>T (p.Leu608=)

Gene: JUP (junction plakoglobin; minus strand). Cytogenetic location: 17q21.2.
Variant type: single nucleotide variant.
Coding change: c.1824G>T on transcript NM_002230.4 (MANE Select); coding-DNA position 1824, G replaced by T.
Protein change: p.Leu608=; no amino-acid change (leucine 608 retained).
Molecular consequence: synonymous variant.
Genome position (GRCh38, 1-based): chr17:41,757,734, C>A on the plus strand (G>T on the coding strand, the complement: JUP is on the minus strand). VCF-style: chr17-41757734-C-A. GRCh37 (hg19) VCF-style: chr17-39913986-C-A.
Other names: c.1824G>T, p.Leu608= (NM_001352773.2, NM_001352774.2, NM_001352775.2 and 3 more transcripts).
Identifiers: ClinVar variation 390216 (VCV000390216.1), dbSNP rs376043057, ClinGen allele CA16607638.